The following is an entry in ClinVar:

NM_000043.6(FAS):c.365C>T (p.Thr122Ile)

Gene: FAS (Fas cell surface death receptor; plus strand). Cytogenetic location: 10q23.31.
Variant type: single nucleotide variant.
Coding change: c.365C>T on transcript NM_000043.6 (MANE Select); coding-DNA position 365, C replaced by T.
Protein change: p.Thr122Ile; replaces threonine 122 with isoleucine.
Molecular consequence: missense variant. On other transcripts: non-coding transcript variant (1).
Genome position (GRCh38, 1-based): chr10:89,008,919, C>T. VCF-style: chr10-89008919-C-T. GRCh37 (hg19) VCF-style: chr10-90768676-C-T.
Other names: c.365C>T, p.Thr122Ile (NM_001320619.2, NM_152871.4, NM_152872.4); c.365C>T (LRG_134t1); short protein forms T122I.
Identifiers: ClinVar variation 134372 (VCV000134372.19), dbSNP rs3218614, ClinGen allele CA159631.

ClinVar aggregate classification (germline): Benign/Likely benign. Review status: criteria provided, multiple submitters, no conflicts (2 of 4 stars). 7 submissions from 7 submitters: Benign (3); Likely benign (3). 1 of the submissions does not count toward it. Last evaluated 2026-04-06.

Conditions:
Meniere disease. Also called: Ménière's disease. Identifiers: MedGen C0025281, MONDO:0007972, OMIM 156000.
Autoimmune lymphoproliferative syndrome type 1. Also called: AUTOIMMUNE LYMPHOPROLIFERATIVE SYNDROME, TYPE I, AUTOSOMAL DOMINANT. Identifiers: Orphanet 3261, MedGen C2717884, MONDO:0011158, OMIM 601859.

Allele frequency attached by ClinVar (database versions not stated): gnomAD exomes 0.00078 and 0.00207; gnomAD 0.00774; TOPMed 0.00896; ESP Exome Variant Server 0.00938; 1000 Genomes Project 0.00679; 1000 Genomes Project 30x 0.00750.
gnomAD v4.1: 2,359 of 1,613,942 alleles (0.15%); highest among the groups gnomAD compares: African/African-American, 2.6%; 29 homozygotes.

Submissions (7):

Women's Health and Genetics/Laboratory Corporation of America, LabCorp
Classification: Likely benign. Last evaluated: 2026-04-06. Review status: criteria provided, single submitter. Criteria: LabCorp Variant Classification Summary - May 2015. Collection method: clinical testing. Allele origin: germline.

Labcorp Genetics (formerly Invitae), Labcorp
Classification: Benign for Autoimmune lymphoproliferative syndrome. Last evaluated: 2026-01-26. Review status: criteria provided, single submitter. Criteria: Invitae Variant Classification Sherloc (09022015). Collection method: clinical testing. Allele origin: germline.

Meniere Disease Neuroscience Research Program, Faculty of Medicine and Health, Kolling Institute, The University of Sydney
Classification: Benign for Meniere disease. Last evaluated: 2025-12-27. Review status: criteria provided, single submitter. Criteria: ClinGen HL ACMG Specifications v1. Collection method: research. Allele origin: germline. Affected: yes.
Comment: The chr10:89008919C>T is a synonymous variant in the FAS gene that has been found in two individual of Non-Finnish European ancestry with definite bilateral Menière's Disease. These two indivials shares mutation chr10:89003139G>A in the FAS gene.

GeneDx
Classification: Likely benign. Last evaluated: 2019-12-30. Review status: criteria provided, single submitter. Criteria: GeneDx Variant Classification Process June 2021. Collection method: clinical testing. Allele origin: germline. Affected: yes.

Illumina Laboratory Services, Illumina
Classification: Benign for Autoimmune lymphoproliferative syndrome type 1. Last evaluated: 2018-01-12. Review status: criteria provided, single submitter. Criteria: ICSL Variant Classification Criteria 13 December 2019. Collection method: clinical testing. Allele origin: germline.
Comment: This variant was observed in the ICSL laboratory as part of a predisposition screen in an ostensibly healthy population. It had not been previously curated by ICSL or reported in the Human Gene Mutation Database (HGMD: prior to June 1st, 2018), and was therefore a candidate for classification through an automated scoring system. Utilizing variant allele frequency, disease prevalence and penetrance estimates, and inheritance mode, an automated score was calculated to assess if this variant is too frequent to cause the disease. Based on the score and internal cut-off values, a variant classified as benign is not then subjected to further curation. The score for this variant resulted in a classification of benign for this disease.

Breakthrough Genomics
Classification: Likely benign. Review status: criteria provided, single submitter. Criteria: ACMG Guidelines, 2015. Collection method: not provided. Allele origin: germline. Inheritance: Autosomal dominant inheritance. Affected: yes.

ITMI
No classification provided. Condition: AllHighlyPenetrant. Last evaluated: 2013-09-19. Review status: no classification provided. Collection method: reference population. Allele origin: germline. Not counted in ClinVar's aggregate classification.
Comment: Please see associated publication for description of ethnicities

Literature cited by the submitters: PubMed 24728327 (cited by ITMI).